The following is an entry in ClinVar:

NM_004453.4(ETFDH):c.1454C>T (p.Thr485Ile)

Gene: ETFDH (electron transfer flavoprotein dehydrogenase; plus strand). Cytogenetic location: 4q32.1.
Variant type: single nucleotide variant.
Coding change: c.1454C>T on transcript NM_004453.4 (MANE Select); coding-DNA position 1454, C replaced by T.
Protein change: p.Thr485Ile; replaces threonine 485 with isoleucine.
Molecular consequence: missense variant.
Genome position (GRCh38, 1-based): chr4:158,706,357, C>T. VCF-style: chr4-158706357-C-T. GRCh37 (hg19) VCF-style: chr4-159627509-C-T.
Other names: c.1313C>T, p.Thr438Ile (NM_001281737.2); c.1271C>T, p.Thr424Ile (NM_001281738.1); short protein forms T424I, T485I, T438I.
Identifiers: ClinVar variation 4742957 (VCV004742957.1).
Genomic context (GRCh38, chr4:158,706,357, plus strand): 5'-ATGGAGGGATGATTTACACTGGAATCTTTTACTGGATATTGAGAGGAATGGAGCCGTGGA[C>T]TCTGAAACATAAAGGTAATTCAAACAAGAGTATGAGTGACATGATCATTAAAAATTCATG-3'
Protein context (NP_004444.2, residues 475-495): YWILRGMEPW[Thr485Ile]LKHKGSDFER

ClinVar aggregate classification (germline): Uncertain significance (1 of 4 stars; one submission).

Conditions:
Multiple acyl-CoA dehydrogenase deficiency (MADD). Also called: Glutaric aciduria, type 2; Glutaric acidemia type II; GA 2; ETHYLMALONIC-ADIPICACIDURIA; GA II; Glutaric Acidemia type 2. Identifiers: Orphanet 26791, MedGen C0268596, MONDO:0009282, OMIM 231680.

Submission:

Labcorp Genetics (formerly Invitae), Labcorp
Classification: Uncertain significance for Multiple acyl-CoA dehydrogenase deficiency. Last evaluated: 2025-12-06. Review status: criteria provided, single submitter. Criteria: Invitae Variant Classification Sherloc (09022015). Collection method: clinical testing. Allele origin: germline.
Comment: This sequence change replaces threonine, which is neutral and polar, with isoleucine, which is neutral and non-polar, at codon 485 of the ETFDH protein (p.Thr485Ile). This variant is not present in population databases (gnomAD no frequency). This variant has not been reported in the literature in individuals affected with ETFDH-related conditions. Invitae Evidence Modeling of protein sequence and biophysical properties (such as structural, functional, and spatial information, amino acid conservation, physicochemical variation, residue mobility, and thermodynamic stability) indicates that this missense variant is expected to disrupt ETFDH protein function with a positive predictive value of 80%. In summary, the available evidence is currently insufficient to determine the role of this variant in disease. Therefore, it has been classified as a Variant of Uncertain Significance.